The following is an entry in ClinVar:

ClinVar aggregate classification (germline): Uncertain significance. Review status: criteria provided, multiple submitters, no conflicts (2 of 4 stars). 3 submissions from 3 submitters: Uncertain significance (3). Last evaluated 2025-12-30.

Conditions:
Inborn genetic diseases. Identifiers: MedGen C0950123, MeSH D030342.

Allele frequency attached by ClinVar (database versions not stated): ExAC 0.00015; TOPMed 0.00018; gnomAD 0.00021; ESP Exome Variant Server 0.00032; gnomAD exomes 0.00038.
gnomAD v4.1: 604 of 1,613,882 alleles (0.037%); highest among the groups gnomAD compares: Middle Eastern, 0.082%; 1 homozygote.

Submissions (3):

Labcorp Genetics (formerly Invitae), Labcorp
Classification: Uncertain significance. Last evaluated: 2025-12-30. Review status: criteria provided, single submitter. Criteria: Invitae Variant Classification Sherloc (09022015). Collection method: clinical testing. Allele origin: germline.
Comment: This sequence change replaces methionine, which is neutral and non-polar, with valine, which is neutral and non-polar, at codon 984 of the EFL1 protein (p.Met984Val). This variant is present in population databases (rs200451236, gnomAD 0.03%). This variant has not been reported in the literature in individuals affected with EFL1-related conditions. ClinVar contains an entry for this variant (Variation ID: 2075681). Invitae Evidence Modeling of protein sequence and biophysical properties (such as structural, functional, and spatial information, amino acid conservation, physicochemical variation, residue mobility, and thermodynamic stability) indicates that this missense variant is not expected to disrupt EFL1 protein function with a negative predictive value of 80%. In summary, the available evidence is currently insufficient to determine the role of this variant in disease. Therefore, it has been classified as a Variant of Uncertain Significance.

Blueprint Genetics
Classification: Uncertain significance. Last evaluated: 2024-10-15. Review status: criteria provided, single submitter. Criteria: ACMG Guidelines, 2015. Collection method: clinical testing. Allele origin: germline.

Ambry Genetics
Classification: Uncertain significance for Inborn genetic diseases. Last evaluated: 2021-01-27. Review status: criteria provided, single submitter. Criteria: Ambry Variant Classification Scheme 2023. Collection method: clinical testing. Allele origin: germline.
Comment: The c.2950A>G (p.M984V) alteration is located in exon 18 (coding exon 17) of the EFL1 gene. This alteration results from a A to G substitution at nucleotide position 2950, causing the methionine (M) at amino acid position 984 to be replaced by a valine (V). The in silico prediction for the p.M984V alteration is inconclusive. Based on insufficient or conflicting evidence, the clinical significance of this alteration remains unclear.

NM_024580.6(EFL1):c.2950A>G (p.Met984Val)

Gene: EFL1 (elongation factor like GTPase 1; minus strand). Cytogenetic location: 15q25.2.
Variant type: single nucleotide variant.
Coding change: c.2950A>G on transcript NM_024580.6 (MANE Select); coding-DNA position 2950, A replaced by G.
Protein change: p.Met984Val; replaces methionine 984 with valine.
Molecular consequence: missense variant. On other transcripts: non-coding transcript variant (1).
Genome position (GRCh38, 1-based): chr15:82,151,504, T>C on the plus strand (A>G on the coding strand, the complement: EFL1 is on the minus strand). VCF-style: chr15-82151504-T-C. GRCh37 (hg19) VCF-style: chr15-82443845-T-C.
Other names: c.2797A>G, p.Met933Val (NM_001040610.3); c.2161A>G, p.Met721Val (NM_001322844.2); c.2950A>G, p.Met984Val (NM_001322845.2); short protein forms M984V, M933V, M721V.
Identifiers: ClinVar variation 2075681 (VCV002075681.4), dbSNP rs200451236, ClinGen allele CA7697676.
Genomic context (GRCh38, chr15:82,151,504, plus strand): 5'-TCTTTACCTTTTCTTCCTTACCGAGAACATCACCAGTGGCCATGATGTCACATGTGTACA[T>C]AGCTGCCATCAGGCGCTGAGGTTTCACTTGCAGTGCATAGCGACATGCTTCTTTCATGGT-3'
Protein context (NP_078856.4, residues 974-994): QVKPQRLMAA[Met984Val]YTCDIMATGD